The following is an entry in ClinVar:

ClinVar aggregate classification (germline): Uncertain significance. Review status: criteria provided, multiple submitters, no conflicts (2 of 4 stars). 4 submissions from 4 submitters: Uncertain significance (4). Last evaluated 2025-10-17.

Conditions:
Retinal dystrophy. Also called: Inherited retinal dystrophy. Identifiers: Orphanet 71862, MedGen C0854723, MeSH D058499, MONDO:0019118, HP:0000556.

Allele frequency attached by ClinVar (database versions not stated): gnomAD 0.00002 and 0.00001; TOPMed 0.00002; ExAC 0.00001; gnomAD exomes 0.00001.
gnomAD v4.1: 17 of 1,613,784 alleles (0.0011%); highest among the groups gnomAD compares: East Asian, 0.0089%; no homozygotes.

Submissions (4):

Dasa
Classification: Uncertain significance. Last evaluated: 2025-10-17. Review status: criteria provided, single submitter. Criteria: DASA Assertion Criteria. Collection method: clinical testing. Allele origin: germline.
Comment: NM_018474.6(KIZ):c.775C>T (p.Arg259Cys) is a missense variant that results in the substitution of arginine with cysteine. This variant is rare in population databases. The currently available literature and clinical evidence are not sufficient to establish a definitive association between this variant and the reported condition. Therefore, this variant is classified as a variant of uncertain significance.

Ambry Genetics
Classification: Uncertain significance. Last evaluated: 2025-06-09. Review status: criteria provided, single submitter. Criteria: Ambry Variant Classification Scheme 2023. Collection method: clinical testing. Allele origin: germline.

Dept Of Ophthalmology, Nagoya University
Classification: Uncertain significance for Retinal dystrophy. Last evaluated: 2023-10-01. Review status: criteria provided, single submitter. Criteria: Submitter's publication. Collection method: research. Allele origin: germline. Affected: yes.

Labcorp Genetics (formerly Invitae), Labcorp
Classification: Uncertain significance. Last evaluated: 2022-08-16. Review status: criteria provided, single submitter. Criteria: Invitae Variant Classification Sherloc (09022015). Collection method: clinical testing. Allele origin: germline.
Comment: In summary, the available evidence is currently insufficient to determine the role of this variant in disease. Therefore, it has been classified as a Variant of Uncertain Significance. ClinVar contains an entry for this variant (Variation ID: 863212). This variant has not been reported in the literature in individuals affected with KIZ-related conditions. This variant is present in population databases (rs763100442, gnomAD 0.006%). This sequence change replaces arginine, which is basic and polar, with cysteine, which is neutral and slightly polar, at codon 259 of the KIZ protein (p.Arg259Cys).

NM_018474.6(KIZ):c.775C>T (p.Arg259Cys)

Gene: KIZ (kizuna centrosomal protein; plus strand). Cytogenetic location: 20p11.23.
Variant type: single nucleotide variant.
Coding change: c.775C>T on transcript NM_018474.6 (MANE Select); coding-DNA position 775, C replaced by T.
Protein change: p.Arg259Cys; replaces arginine 259 with cysteine.
Molecular consequence: missense variant.
Genome position (GRCh38, 1-based): chr20:21,162,240, C>T. VCF-style: chr20-21162240-C-T. GRCh37 (hg19) VCF-style: chr20-21142881-C-T.
Other names: c.466C>T, p.Arg156Cys (NM_001163022.3, NM_001352435.2); c.376C>T, p.Arg126Cys (NM_001163023.3); c.628C>T, p.Arg210Cys (NM_001276389.2); c.775C>T, p.Arg259Cys (NM_001352434.2); c.433C>T, p.Arg145Cys (NM_001352436.2); short protein forms R259C, R145C, R126C, R156C, R210C.
Identifiers: ClinVar variation 863212 (VCV000863212.10), dbSNP rs763100442, ClinGen allele CA9784705.
Genomic context (GRCh38, chr20:21,162,240, plus strand): 5'-ACAGCCAGTGTATTGTCTGAGGAGGAACAAACTCATTGCTTGGAGATAGGAAGTAACACA[C>T]GTCATGGCAAGAGTAATTTATCTGAAGGCAAAAAGTCTGCTGAACTCAATTCCCCGTTAC-3'
Protein context (NP_060944.3, residues 249-269): THCLEIGSNT[Arg259Cys]HGKSNLSEGK